The following is an entry in ClinVar:

ClinVar aggregate classification (germline): Uncertain significance (1 of 4 stars; one submission).

gnomAD v4.1: 394 of 1,605,770 alleles (0.025%); highest among the groups gnomAD compares: Non-Finnish European, 0.032%; no homozygotes.

Submission:

Labcorp Genetics (formerly Invitae), Labcorp
Classification: Uncertain significance. Last evaluated: 2026-01-04. Review status: criteria provided, single submitter. Criteria: Invitae Variant Classification Sherloc (09022015). Collection method: clinical testing. Allele origin: germline.
Comment: This sequence change replaces glutamic acid, which is acidic and polar, with lysine, which is basic and polar, at codon 286 of the DNAJC17 protein (p.Glu286Lys). This variant is present in population databases (rs142251536, gnomAD 0.01%). This variant has not been reported in the literature in individuals affected with DNAJC17-related conditions. ClinVar contains an entry for this variant (Variation ID: 2046946). An algorithm developed to predict the effect of missense changes on protein structure and function (PolyPhen-2) suggests that this variant is likely to be tolerated. In summary, the available evidence is currently insufficient to determine the role of this variant in disease. Therefore, it has been classified as a Variant of Uncertain Significance.

NM_018163.3(DNAJC17):c.856G>A (p.Glu286Lys)

Gene: DNAJC17 (DnaJ heat shock protein family (Hsp40) member C17; minus strand). Cytogenetic location: 15q15.1.
Variant type: single nucleotide variant.
Coding change: c.856G>A on transcript NM_018163.3 (MANE Select); coding-DNA position 856, G replaced by A.
Protein change: p.Glu286Lys; replaces glutamic acid 286 with lysine.
Molecular consequence: missense variant.
Genome position (GRCh38, 1-based): chr15:40,767,999, C>T on the plus strand (G>A on the coding strand, the complement: DNAJC17 is on the minus strand). VCF-style: chr15-40767999-C-T. GRCh37 (hg19) VCF-style: chr15-41060197-C-T.
Other names: short protein forms E286K.
Identifiers: ClinVar variation 2046946 (VCV002046946.4), dbSNP rs142251536, ClinGen allele CA7484920.